The following is an entry in ClinVar:

ClinVar aggregate classification (germline): Benign/Likely benign. Review status: criteria provided, multiple submitters, no conflicts (2 of 4 stars). 2 submissions from 2 submitters: Benign (1); Likely benign (1). Last evaluated 2023-01-01.

Conditions:
Peroxisome biogenesis disorder 6A (Zellweger). Also called: Peroxisome biogenesis disorder 6A. Identifiers: Orphanet 912, MedGen C3553947, MONDO:0013936, OMIM 614870.

Allele frequency attached by ClinVar (database versions not stated): gnomAD exomes 0.00046; 1000 Genomes Project 0.00300; gnomAD 0.00358 and 0.00377; TOPMed 0.00363; 1000 Genomes Project 30x 0.00406.
gnomAD v4.1: 551 of 179,564 alleles (0.31%); highest among the groups gnomAD compares: African/African-American, 1.2%; 5 homozygotes.

Submissions (2):

CeGaT Center for Human Genetics Tuebingen
Classification: Benign. Last evaluated: 2023-01-01. Review status: criteria provided, single submitter. Criteria: CeGaT Center For Human Genetics Tuebingen Variant Classification Criteria Version 2. Collection method: clinical testing. Allele origin: germline. Affected: yes. Observed: 1 variant allele.
Comment: PEX10: BS1, BS2; RER1: BS1, BS2

Illumina Laboratory Services, Illumina
Classification: Likely benign for Peroxisome biogenesis disorder 6A (Zellweger). Last evaluated: 2018-01-12. Review status: criteria provided, single submitter. Criteria: ICSL Variant Classification Criteria 13 December 2019. Collection method: clinical testing. Allele origin: germline.
Comment: This variant was observed in the ICSL laboratory as part of a predisposition screen in an ostensibly healthy population. It had not been previously curated by ICSL or reported in the Human Gene Mutation Database (HGMD: prior to June 1st, 2018), and was therefore a candidate for classification through an automated scoring system. Utilizing variant allele frequency, disease prevalence and penetrance estimates, and inheritance mode, an automated score was calculated to assess if this variant is too frequent to cause the disease. Based on the score and internal cut-off values, a variant classified as likely benign is not then subjected to further curation. The score for this variant resulted in a classification of likely benign for this disease.

NM_002617.4(PEX10):c.*595G>A

Genes: PEX10 (peroxisomal biogenesis factor 10; minus strand), RER1 (retention in endoplasmic reticulum sorting receptor 1; plus strand). Cytogenetic location: 1p36.32.
Variant type: single nucleotide variant.
Coding change: c.*595G>A on transcript NM_002617.4 (MANE Select); 595 bases downstream of the stop codon, G replaced by A.
Molecular consequence: 3 prime UTR variant. On other transcripts: non-coding transcript variant (1).
Genome position (GRCh38, 1-based): chr1:2,405,171, C>T on the plus strand (G>A on the coding strand, the complement: PEX10 is on the minus strand). VCF-style: chr1-2405171-C-T. GRCh37 (hg19) VCF-style: chr1-2336610-C-T.
Other names: c.*2047C>T (NM_007033.5); c.*595G>A (NM_001374425.1, NM_001374426.1, NM_001374427.1 and 1 more transcripts).
Identifiers: ClinVar variation 875344 (VCV000875344.28), dbSNP rs72924937, ClinGen allele CA16942278.
Genomic context (GRCh38, chr1:2,405,171, plus strand): 5'-TTTCTAAAACTGGAAGCGACCTTGACGTGTATTGAAGGTGTGTGTGCCAAATGCTTCCGA[C>T]GGAGGTGCTGGCCTTGGTTGGTTTCTCTCTGCCCCGTGTGGTCATCAAGTCCTGGGGGAT-3'